The following is an entry in ClinVar:

NM_194248.3(OTOF):c.2676+10G>C

Gene: OTOF (otoferlin; minus strand). Cytogenetic location: 2p23.3.
Variant type: single nucleotide variant.
Coding change: c.2676+10G>C on transcript NM_194248.3 (MANE Select); 10 bases into the intron after coding-DNA position 2676, G replaced by C.
Molecular consequence: intron variant.
Genome position (GRCh38, 1-based): chr2:26,476,881, C>G on the plus strand (G>C on the coding strand, the complement: OTOF is on the minus strand). VCF-style: chr2-26476881-C-G. GRCh37 (hg19) VCF-style: chr2-26699749-C-G.
Other names: c.2676+10G>C (NM_001287489.2); c.435+10G>C (NM_194323.3, NM_004802.4); c.606+10G>C (NM_194322.3).
Identifiers: ClinVar variation 164859 (VCV000164859.12), dbSNP rs727503356, ClinGen allele CA177550.

ClinVar aggregate classification (germline): Conflicting classifications of pathogenicity. Review status: criteria provided, conflicting classifications (1 of 4 stars). 3 submissions from 3 submitters: Uncertain significance (1); Likely benign (2). Last evaluated 2024-01-14.

Conditions:
Autosomal recessive nonsyndromic hearing loss 9. Also called: OTOF-Related Hearing Loss; NEUROSENSORY NONSYNDROMIC RECESSIVE DEAFNESS 9; Deafness, autosomal recessive 9; AUDITORY NEUROPATHY, AUTOSOMAL RECESSIVE, 1, TEMPERATURE-SENSITIVE. Identifiers: Orphanet 90636, MedGen C1832828, MONDO:0010986, OMIM 601071.

Allele frequency attached by ClinVar (database versions not stated): TOPMed below 0.00001; gnomAD 0.00001; gnomAD exomes below 0.00001.
gnomAD v4.1: 6 of 1,606,922 alleles (0.00037%); highest among the groups gnomAD compares: Non-Finnish European, 0.00051%; no homozygotes.

Submissions (3):

Labcorp Genetics (formerly Invitae), Labcorp
Classification: Likely benign. Last evaluated: 2024-01-14. Review status: criteria provided, single submitter. Criteria: Invitae Variant Classification Sherloc (09022015). Collection method: clinical testing. Allele origin: germline.

Illumina Laboratory Services, Illumina
Classification: Uncertain significance for Autosomal recessive nonsyndromic hearing loss 9. Last evaluated: 2018-01-12. Review status: criteria provided, single submitter. Criteria: ICSL Variant Classification Criteria 13 December 2019. Collection method: clinical testing. Allele origin: germline.

Laboratory for Molecular Medicine, Mass General Brigham Personalized Medicine
Classification: Likely benign. Last evaluated: 2014-07-29. Review status: criteria provided, single submitter. Criteria: LMM Criteria. Collection method: clinical testing. Allele origin: germline. Observed: 1 variant allele.
Comment: 2676+10G>C in intron 22 of OTOF: This variant is not expected to have clinical s ignificance because it is not located within the splice consensus sequence.